The following is an entry in ClinVar:

NM_013450.4(BAZ2B):c.2816A>T (p.Lys939Met)

Gene: BAZ2B (bromodomain adjacent to zinc finger domain 2B; minus strand). Cytogenetic location: 2q24.2.
Variant type: single nucleotide variant.
Coding change: c.2816A>T on transcript NM_013450.4 (MANE Select); coding-DNA position 2816, A replaced by T.
Protein change: p.Lys939Met; replaces lysine 939 with methionine.
Molecular consequence: missense variant.
Genome position (GRCh38, 1-based): chr2:159,404,865, T>A on the plus strand (A>T on the coding strand, the complement: BAZ2B is on the minus strand). VCF-style: chr2-159404865-T-A. GRCh37 (hg19) VCF-style: chr2-160261376-T-A.
Other names: c.2708A>T, p.Lys903Met (NM_001289975.1); c.2627A>T, p.Lys876Met (NM_001329857.2); c.2714A>T, p.Lys905Met (NM_001329858.2); short protein forms K876M, K903M, K905M, K939M.
Identifiers: ClinVar variation 3252979 (VCV003252979.1), dbSNP rs1402474298.

ClinVar aggregate classification (germline): Uncertain significance (1 of 4 stars; one submission).

Allele frequency attached by ClinVar (database versions not stated): TOPMed below 0.00001; gnomAD 0.00001; gnomAD exomes 0.00002.
gnomAD v4.1: 37 of 1,612,950 alleles (0.0023%); highest among the groups gnomAD compares: Non-Finnish European, 0.003%; no homozygotes.

Submission:

GeneDx
Classification: Uncertain significance. Last evaluated: 2022-02-28. Review status: criteria provided, single submitter. Criteria: GeneDx Variant Classification Process June 2021. Collection method: clinical testing. Allele origin: germline. Affected: yes.
Comment: Not observed at significant frequency in large population cohorts (gnomAD); In silico analysis supports that this missense variant has a deleterious effect on protein structure/function; Has not been previously published as pathogenic or benign to our knowledge; Variants in candidate genes are classified as variants of uncertain significance in accordance with ACMG guidelines (Richards et al., 2015)